The following is an entry in ClinVar:

ClinVar aggregate classification (germline): Uncertain significance (1 of 4 stars; one submission).

Conditions:
Hereditary cancer-predisposing syndrome. Also called: Neoplastic Syndromes, Hereditary; Tumor predisposition; Hereditary Cancer Syndrome; Hereditary neoplastic syndrome. Identifiers: Orphanet 140162, MedGen C0027672, MeSH D009386, MONDO:0015356.

Submission:

Ambry Genetics
Classification: Uncertain significance for Hereditary cancer-predisposing syndrome. Last evaluated: 2025-09-19. Review status: criteria provided, single submitter. Criteria: Ambry Variant Classification Scheme 2023. Collection method: clinical testing. Allele origin: germline.
Comment: The p.L432R variant (also known as c.1295T>G), located in coding exon 11 of the MRE11A gene, results from a T to G substitution at nucleotide position 1295. The leucine at codon 432 is replaced by arginine, an amino acid with dissimilar properties. This amino acid position is conserved. In addition, this alteration is predicted to be deleterious by in silico analysis. Based on the available evidence, the clinical significance of this variant remains unclear.

NM_005591.4(MRE11):c.1295T>G (p.Leu432Arg)

Gene: MRE11 (MRE11 double strand break repair nuclease; minus strand). Cytogenetic location: 11q21.
Variant type: single nucleotide variant.
Coding change: c.1295T>G on transcript NM_005591.4 (MANE Select); coding-DNA position 1295, T replaced by G.
Protein change: p.Leu432Arg; replaces leucine 432 with arginine.
Molecular consequence: missense variant.
Genome position (GRCh38, 1-based): chr11:94,460,967, A>C on the plus strand (T>G on the coding strand, the complement: MRE11 is on the minus strand). VCF-style: chr11-94460967-A-C. GRCh37 (hg19) VCF-style: chr11-94194133-A-C.
Other names: c.1295T>G, p.Leu432Arg (NM_001330347.2, NM_001440460.1, NM_001440461.1 and 15 more transcripts); c.1220T>G, p.Leu407Arg (NM_001440471.1, NM_001440472.1, NM_001440479.1); c.1214T>G, p.Leu405Arg (NM_001440473.1, NM_001440477.1, NM_001440478.1); c.950T>G, p.Leu317Arg (NM_001440482.1, NM_001440483.1, NM_001440484.1); c.827T>G, p.Leu276Arg (NM_001440485.1, NM_001440486.1, NM_001440487.1); short protein forms L317R, L405R, L276R, L407R, L432R.
Identifiers: ClinVar variation 4650970 (VCV004650970.1).